The following is an entry in ClinVar:

ClinVar aggregate classification (germline): Uncertain significance. Review status: criteria provided, multiple submitters, no conflicts (2 of 4 stars). 3 submissions from 3 submitters: Uncertain significance (3). Last evaluated 2026-10-01.

Conditions:
Seizures-scoliosis-macrocephaly syndrome. Also called: Seizures, scoliosis, and macrocephaly syndrome; SEIZURES, SCOLIOSIS, AND MACROCEPHALY/MICROCEPHALY SYNDROME. Identifiers: Orphanet 466926, MedGen C4225248, MONDO:0014731, OMIM 616682.
Exostoses, multiple, type 2 (EXT2). Also called: EXOSTOSES, MULTIPLE, TYPE II; Hereditary Multiple Osteochondromatosis, Type II. Identifiers: Orphanet 321, MedGen C1851413, MONDO:0007586, OMIM 133701.

Allele frequency attached by ClinVar (database versions not stated): ExAC 0.00007; TOPMed 0.00019; gnomAD 0.00022; ESP Exome Variant Server 0.00038; 1000 Genomes Project 30x 0.00078; 1000 Genomes Project 0.00080.
gnomAD v4.1: 49 of 1,613,918 alleles (0.003%); highest among the groups gnomAD compares: African/African-American, 0.064%; no homozygotes.

Submissions (3):

St. Jude Molecular Pathology, St. Jude Children's Research Hospital
Classification: Uncertain significance for Exostoses, multiple, type 2. Last evaluated: 2026-10-01. Review status: criteria provided, single submitter. Criteria: St. Jude Assertion Criteria 2020. Collection method: clinical testing. Allele origin: germline.
Comment: The EXT2 c.573T>A p.(Asp191Glu) missense change has a maximum subpopulation frequency of 0.06% in gnomAD v2.1.1. The in silico tool REVEL predicts a deleterious effect on protein function, but to our knowledge this predict ion has not been confirmed by functional studies. To our knowledge, this variant has not been reported in individuals with hereditary multiple exostoses. In summary, the evidence currently available is insufficient to determine the clinical significance of this variant. It has therefore been classified as of uncertain significance.

Labcorp Genetics (formerly Invitae), Labcorp
Classification: Uncertain significance for Exostoses, multiple, type 2. Last evaluated: 2025-11-20. Review status: criteria provided, single submitter. Criteria: Invitae Variant Classification Sherloc (09022015). Collection method: clinical testing. Allele origin: germline.
Comment: This sequence change replaces aspartic acid, which is acidic and polar, with glutamic acid, which is acidic and polar, at codon 158 of the EXT2 protein (p.Asp158Glu). This variant is present in population databases (rs138452448, gnomAD 0.05%). This variant has not been reported in the literature in individuals affected with EXT2-related conditions. ClinVar contains an entry for this variant (Variation ID: 2053701). Invitae Evidence Modeling of protein sequence and biophysical properties (such as structural, functional, and spatial information, amino acid conservation, physicochemical variation, residue mobility, and thermodynamic stability) has been performed for this missense variant. However, the output from this modeling did not meet the statistical confidence thresholds required to predict the impact of this variant on EXT2 protein function. In summary, the available evidence is currently insufficient to determine the role of this variant in disease. Therefore, it has been classified as a Variant of Uncertain Significance.

Fulgent Genetics
Classification: Uncertain significance for Exostoses, multiple, type 2; Seizures-scoliosis-macrocephaly syndrome. Last evaluated: 2024-03-25. Review status: criteria provided, single submitter. Criteria: ACMG Guidelines, 2015. Collection method: clinical testing. Allele origin: germline.

NM_207122.2(EXT2):c.474T>A (p.Asp158Glu)

Gene: EXT2 (exostosin glycosyltransferase 2; plus strand). Cytogenetic location: 11p11.2.
Variant type: single nucleotide variant.
Coding change: c.474T>A on transcript NM_207122.2 (MANE Select); coding-DNA position 474, T replaced by A.
Protein change: p.Asp158Glu; replaces aspartic acid 158 with glutamic acid.
Molecular consequence: missense variant.
Genome position (GRCh38, 1-based): chr11:44,108,186, T>A. VCF-style: chr11-44108186-T-A. GRCh37 (hg19) VCF-style: chr11-44129736-T-A.
Other names: c.573T>A, p.Asp191Glu (NM_000401.3); c.474T>A, p.Asp158Glu (NM_001178083.3, NM_001389628.1, NM_001389630.1); short protein forms D158E, D191E.
Identifiers: ClinVar variation 2053701 (VCV002053701.6), dbSNP rs138452448, ClinGen allele CA5954896.